The following is an entry in ClinVar:

NM_130837.3(OPA1):c.7C>T (p.Arg3Ter)

Gene: OPA1 (OPA1 mitochondrial dynamin like GTPase; plus strand). Cytogenetic location: 3q29.
Variant type: single nucleotide variant.
Coding change: c.7C>T on transcript NM_130837.3 (MANE Select); coding-DNA position 7, C replaced by T.
Protein change: p.Arg3Ter; replaces arginine 3 with a stop codon.
Molecular consequence: nonsense. On other transcripts: 5 prime UTR variant (2).
Genome position (GRCh38, 1-based): chr3:193,593,384, C>T. VCF-style: chr3-193593384-C-T. GRCh37 (hg19) VCF-style: chr3-193311173-C-T.
Other names: c.-424C>T (NM_001354663.2, NM_001354664.2); c.7C>T, p.Arg3Ter (NM_015560.3, NM_130831.3, NM_130832.3 and 4 more transcripts); short protein forms R3*.
Identifiers: ClinVar variation 2020641 (VCV002020641.4), dbSNP rs2474395815, ClinGen allele CA355785444.

ClinVar aggregate classification (germline): Pathogenic (1 of 4 stars; one submission).

gnomAD v4.1: 1 of 1,547,100 alleles (0.000065%); highest among the groups gnomAD compares: East Asian, 0.0025%; no homozygotes.

Submission:

Labcorp Genetics (formerly Invitae), Labcorp
Classification: Pathogenic. Last evaluated: 2022-06-14. Review status: criteria provided, single submitter. Criteria: Invitae Variant Classification Sherloc (09022015). Collection method: clinical testing. Allele origin: germline.
Comment: This sequence change creates a premature translational stop signal (p.Arg3*) in the OPA1 gene. It is expected to result in an absent or disrupted protein product. Loss-of-function variants in OPA1 are known to be pathogenic (PMID: 11440988, 20157015, 20952381, 25012220). This variant is not present in population databases (gnomAD no frequency). This variant has not been reported in the literature in individuals affected with OPA1-related conditions. Algorithms developed to predict the effect of sequence changes on RNA splicing suggest that this variant may create or strengthen a splice site. For these reasons, this variant has been classified as Pathogenic.

Literature cited by the submitters: PubMed 11440988; PubMed 20157015; PubMed 20952381; PubMed 25012220.